The following is an entry in ClinVar:

NM_001261413.2(DCTN2):c.1192A>C (p.Lys398Gln)

Genes: DCTN2 (dynactin subunit 2; minus strand), MBD6 (methyl-CpG binding domain protein 6; plus strand). Cytogenetic location: 12q13.3.
Variant type: single nucleotide variant.
Coding change: c.1192A>C on transcript NM_001261413.2 (MANE Select); coding-DNA position 1192, A replaced by C.
Protein change: p.Lys398Gln; replaces lysine 398 with glutamine.
Molecular consequence: missense variant. On other transcripts: non-coding transcript variant (1).
Genome position (GRCh38, 1-based): chr12:57,530,703, T>G on the plus strand (A>C on the coding strand, the complement: DCTN2 is on the minus strand). VCF-style: chr12-57530703-T-G. GRCh37 (hg19) VCF-style: chr12-57924486-T-G.
Other names: c.1198A>C, p.Lys400Gln (NM_001261412.2); c.1327A>C, p.Lys443Gln (NM_001348065.2); c.1123A>C, p.Lys375Gln (NM_001348066.2); c.931A>C, p.Lys311Gln (NM_001348067.2, NM_001348068.2); c.1207A>C, p.Lys403Gln (NM_006400.5); short protein forms K311Q, K375Q, K398Q, K400Q, K403Q, K443Q.
Identifiers: ClinVar variation 3024931 (VCV003024931.22), dbSNP rs55640208, ClinGen allele CA6652022.

ClinVar aggregate classification (germline): Benign (1 of 4 stars; one submission).

Allele frequency attached by ClinVar (database versions not stated): ESP Exome Variant Server 0.00281; TOPMed 0.00287; ExAC 0.00288; 1000 Genomes Project 0.00599; 1000 Genomes Project 30x 0.00625.
gnomAD v4.1: 2,191 of 1,613,836 alleles (0.14%); highest among the groups gnomAD compares: South Asian, 1.3%; 20 homozygotes.

Submission:

CeGaT Center for Human Genetics Tuebingen
Classification: Benign. Last evaluated: 2024-05-01. Review status: criteria provided, single submitter. Criteria: CeGaT Center For Human Genetics Tuebingen Variant Classification Criteria Version 2. Collection method: clinical testing. Allele origin: germline. Affected: yes. Observed: 2 variant alleles.
Comment: DCTN2: BP4, BS1, BS2